The following is an entry in ClinVar:

NM_000488.4(SERPINC1):c.840A>C (p.Ser280=)

Gene: SERPINC1 (serpin family C member 1; minus strand). Cytogenetic location: 1q25.1.
Variant type: single nucleotide variant.
Coding change: c.840A>C on transcript NM_000488.4 (MANE Select); coding-DNA position 840, A replaced by C.
Protein change: p.Ser280=; no amino-acid change (serine 280 retained).
Molecular consequence: synonymous variant.
Genome position (GRCh38, 1-based): chr1:173,909,865, T>G on the plus strand (A>C on the coding strand, the complement: SERPINC1 is on the minus strand). VCF-style: chr1-173909865-T-G. GRCh37 (hg19) VCF-style: chr1-173879003-T-G.
Other names: c.696A>C, p.Ser232= (NM_001365052.2); c.963A>C, p.Ser321= (NM_001386302.1); c.921A>C, p.Ser307= (NM_001386303.1); c.819A>C, p.Ser273= (NM_001386304.1); c.783A>C, p.Ser261= (NM_001386305.1); c.624A>C, p.Ser208= (NM_001386306.1).
Identifiers: ClinVar variation 4982791 (VCV004982791.1).
Genomic context (GRCh38, chr1:173,909,865, plus strand): 5'-CTGGGTGCCTTCAGCCACGCGCCGATAACGGAACTTGCCTTCCTGGTACATCATAGATGC[T>G]GAACACGACTCTCCATCAGCCTTGTAGAACAGTTCCTTCCTTGTGTTCTCAGGGCTGAAC-3'
Protein context (NP_000479.1, residues 270-290): LFYKADGESC[Ser280=]ASMMYQEGKF

ClinVar aggregate classification (germline): Likely benign (1 of 4 stars; one submission).

Conditions:
SERPINC1-related disorder. Also called: SERPINC1-related condition.

Submission:

PreventionGenetics, part of Exact Sciences
Classification: Likely benign for SERPINC1-related condition. Last evaluated: 2025-03-18. Review status: criteria provided, single submitter. Criteria: ACMG Guidelines, 2015. Collection method: clinical testing. Allele origin: germline.
Comment: This variant is classified as likely benign based on ACMG/AMP sequence variant interpretation guidelines (Richards et al. 2015 PMID: 25741868, with internal and published modifications).